The following is an entry in ClinVar:

ClinVar aggregate classification (germline): Uncertain significance. Review status: reviewed by expert panel (3 of 4 stars). 4 submissions from 4 submitters: Uncertain significance (1). 3 of the submissions do not count toward it. Last evaluated 2024-09-25.

Conditions:
Inborn genetic diseases. Identifiers: MedGen C0950123, MeSH D030342.
Hereditary thrombocytopenia and hematological cancer predisposition syndrome associated with RUNX1. Also called: Familial Platelet Disorder with Propensity to Acute Myelogenous Leukemia; Familial thrombocytopenia with propensity to acute myelogenous leukemia; PLATELET DISORDER, ASPIRIN-LIKE; RUNX1 Familial Platelet Disorder with Associated Myeloid Malignancies. Identifiers: Orphanet 71290, MedGen C1832388, MeSH C563324, MONDO:0100083, OMIM 601399.

Allele frequency attached by ClinVar (database versions not stated): TOPMed 0.00001.

Submissions (4):

ClinGen Myeloid Malignancy Variant Curation Expert Panel
Classification: Uncertain significance for Hereditary thrombocytopenia and hematological cancer predisposition syndrome associated with RUNX1. Last evaluated: 2024-09-25. Review status: reviewed by expert panel. Criteria: ClinGen MyeloMalig ACMG Specifications v2. Collection method: curation. Allele origin: germline. Inheritance: Autosomal dominant inheritance.
Comment: NM_001754.5(RUNX1):c.673C>T (p.Leu225Phe) is a missense variant which is completely absent from all population databases with at least 20x coverage for RUNX1 (PM2_supporting). In summary, the clinical significance of this variant is uncertain. ACMG/AMP criteria applied, as specified by the Myeloid Malignancy Variant Curation Expert Panel for RUNX1: PM2_supporting.

Ambry Genetics
Classification: Uncertain significance for Inborn genetic diseases. Last evaluated: 2025-04-01. Review status: criteria provided, single submitter. Criteria: Ambry Variant Classification Scheme 2023. Collection method: clinical testing. Allele origin: germline. Not counted in ClinVar's aggregate classification.
Comment: The p.L225F variant (also known as c.673C>T), located in coding exon 6 of the RUNX1 gene, results from a C to T substitution at nucleotide position 673. The leucine at codon 225 is replaced by phenylalanine, an amino acid with highly similar properties. This amino acid position is conserved. In addition, the in silico prediction for this alteration is inconclusive. Based on the available evidence, the clinical significance of this variant remains unclear.

Laboratory of Genetics, Children's Clinical University Hospital Latvia
Classification: Uncertain significance. Last evaluated: 2025-02-16. Review status: criteria provided, single submitter. Criteria: ACMG Guidelines, 2015. Collection method: clinical testing. Allele origin: germline. Affected: yes. Not counted in ClinVar's aggregate classification.

Labcorp Genetics (formerly Invitae), Labcorp
Classification: Uncertain significance for Hereditary thrombocytopenia and hematological cancer predisposition syndrome associated with RUNX1. Last evaluated: 2024-08-06. Review status: criteria provided, single submitter. Criteria: Invitae Variant Classification Sherloc (09022015). Collection method: clinical testing. Allele origin: germline. Not counted in ClinVar's aggregate classification.
Comment: This sequence change replaces leucine, which is neutral and non-polar, with phenylalanine, which is neutral and non-polar, at codon 225 of the RUNX1 protein (p.Leu225Phe). This variant is not present in population databases (gnomAD no frequency). This variant has not been reported in the literature in individuals affected with RUNX1-related conditions. ClinVar contains an entry for this variant (Variation ID: 2041194). Advanced modeling of protein sequence and biophysical properties (such as structural, functional, and spatial information, amino acid conservation, physicochemical variation, residue mobility, and thermodynamic stability) performed at Invitae indicates that this missense variant is not expected to disrupt RUNX1 protein function with a negative predictive value of 80%. In summary, the available evidence is currently insufficient to determine the role of this variant in disease. Therefore, it has been classified as a Variant of Uncertain Significance.

NM_001754.5(RUNX1):c.673C>T (p.Leu225Phe)

Gene: RUNX1 (RUNX family transcription factor 1; minus strand). Cytogenetic location: 21q22.12.
Variant type: single nucleotide variant.
Coding change: c.673C>T on transcript NM_001754.5 (MANE Select); coding-DNA position 673, C replaced by T.
Protein change: p.Leu225Phe; replaces leucine 225 with phenylalanine.
Molecular consequence: missense variant.
Genome position (GRCh38, 1-based): chr21:34,834,542, G>A on the plus strand (C>T on the coding strand, the complement: RUNX1 is on the minus strand). VCF-style: chr21-34834542-G-A. GRCh37 (hg19) VCF-style: chr21-36206839-G-A.
Other names: NM_001754.5(RUNX1):c.673C>T; p.Leu225Phe; c.592C>T, p.Leu198Phe (NM_001001890.3, NM_001122607.2); short protein forms L225F, L198F.
Identifiers: ClinVar variation 2041194 (VCV002041194.7), dbSNP rs989834993, ClinGen allele CA320603699.